The following is an entry in ClinVar:

NM_002439.5(MSH3):c.919G>A (p.Val307Met)

Genes: MSH3 (mutS homolog 3; plus strand), LOC126807437 (MED14-independent group 3 enhancer GRCh37_chr5:79968379-79969578; plus strand). Cytogenetic location: 5q14.1.
Variant type: single nucleotide variant.
Coding change: c.919G>A on transcript NM_002439.5 (MANE Select); coding-DNA position 919, G replaced by A.
Protein change: p.Val307Met; replaces valine 307 with methionine.
Molecular consequence: missense variant.
Genome position (GRCh38, 1-based): chr5:80,672,750, G>A. VCF-style: chr5-80672750-G-A. GRCh37 (hg19) VCF-style: chr5-79968569-G-A.
Other names: short protein forms V307M.
Identifiers: ClinVar variation 2039807 (VCV002039807.4), dbSNP rs2546722836, ClinGen allele CA360267331.

ClinVar aggregate classification (germline): Uncertain significance (1 of 4 stars; one submission).

Submission:

Labcorp Genetics (formerly Invitae), Labcorp
Classification: Uncertain significance. Last evaluated: 2021-12-11. Review status: criteria provided, single submitter. Criteria: Invitae Variant Classification Sherloc (09022015). Collection method: clinical testing. Allele origin: germline.
Comment: In summary, the available evidence is currently insufficient to determine the role of this variant in disease. Therefore, it has been classified as a Variant of Uncertain Significance. Algorithms developed to predict the effect of missense changes on protein structure and function are either unavailable or do not agree on the potential impact of this missense change (SIFT: "Deleterious"; PolyPhen-2: "Probably Damaging"; Align-GVGD: "Class C0"). This variant has not been reported in the literature in individuals affected with MSH3-related conditions. This variant is not present in population databases (gnomAD no frequency). This sequence change replaces valine, which is neutral and non-polar, with methionine, which is neutral and non-polar, at codon 307 of the MSH3 protein (p.Val307Met).